The following is an entry in ClinVar:

NM_000130.5(F5):c.5621T>C (p.Met1874Thr)

Gene: F5 (coagulation factor V; minus strand). Cytogenetic location: 1q24.2.
Variant type: single nucleotide variant.
Coding change: c.5621T>C on transcript NM_000130.5 (MANE Select); coding-DNA position 5621, T replaced by C.
Protein change: p.Met1874Thr; replaces methionine 1874 with threonine.
Molecular consequence: missense variant.
Genome position (GRCh38, 1-based): chr1:169,525,996, A>G on the plus strand (T>C on the coding strand, the complement: F5 is on the minus strand). VCF-style: chr1-169525996-A-G. GRCh37 (hg19) VCF-style: chr1-169495234-A-G.
Other names: short protein forms M1874T.
Identifiers: ClinVar variation 627095 (VCV000627095.4), dbSNP rs377129476, ClinGen allele CA1233452.

ClinVar aggregate classification (germline): Uncertain significance. Review status: criteria provided, multiple submitters, no conflicts (2 of 4 stars). 3 submissions from 3 submitters: Uncertain significance (3). Last evaluated 2024-11-17.

Conditions:
Abnormal bleeding. Also called: Bleeding diathesis. Identifiers: MedGen C1458140, HP:0001892.
Congenital factor V deficiency. Also called: OWREN PARAHEMOPHILIA; PARAHEMOPHILIA; LABILE FACTOR DEFICIENCY; Hereditary factor V deficiency disease. Identifiers: Orphanet 326, MedGen C0015499, MONDO:0009210, OMIM 227400.

Allele frequency attached by ClinVar (database versions not stated): gnomAD 0.00003; TOPMed 0.00004; ESP Exome Variant Server 0.00008; gnomAD exomes 0.00009; ExAC 0.00012.

Submissions (3):

Blueprint Genetics
Classification: Uncertain significance. Last evaluated: 2024-11-17. Review status: criteria provided, single submitter. Criteria: ACMG Guidelines, 2015. Collection method: clinical testing. Allele origin: germline.

Labcorp Genetics (formerly Invitae), Labcorp
Classification: Uncertain significance for Congenital factor V deficiency. Last evaluated: 2024-01-16. Review status: criteria provided, single submitter. Criteria: Invitae Variant Classification Sherloc (09022015). Collection method: clinical testing. Allele origin: germline.
Comment: This sequence change replaces methionine, which is neutral and non-polar, with threonine, which is neutral and polar, at codon 1874 of the F5 protein (p.Met1874Thr). This variant is present in population databases (rs377129476, gnomAD 0.02%). This missense change has been observed in individual(s) with unexplained bleeding (PMID: 31064749). ClinVar contains an entry for this variant (Variation ID: 627095). Advanced modeling of protein sequence and biophysical properties (such as structural, functional, and spatial information, amino acid conservation, physicochemical variation, residue mobility, and thermodynamic stability) performed at Invitae indicates that this missense variant is not expected to disrupt F5 protein function with a negative predictive value of 95%. In summary, the available evidence is currently insufficient to determine the role of this variant in disease. Therefore, it has been classified as a Variant of Uncertain Significance.

NIHR Bioresource Rare Diseases, University of Cambridge
Classification: Uncertain significance for Abnormal bleeding. Last evaluated: 2019-02-01. Review status: criteria provided, single submitter. Criteria: ACMG Guidelines, 2015. Collection method: research. Allele origin: unknown. Affected: yes. Observed: 1 heterozygote. Study: ThromboGenomics.

Literature cited by the submitters: PubMed 31064749 (cited by Labcorp Genetics (formerly Invitae), Labcorp and NIHR Bioresource Rare Diseases, University of Cambridge).